The following is an entry in ClinVar:

NM_004006.3(DMD):c.6629del (p.Lys2210fs)

Gene: DMD (dystrophin; minus strand). Cytogenetic location: Xp21.1.
Variant type: Deletion.
Coding change: c.6629del on transcript NM_004006.3 (MANE Select); coding-DNA position 6629, one base deleted (A; older notation c.6629delA).
Protein change: p.Lys2210fs; shifts the reading frame from lysine 2210.
Molecular consequence: frameshift variant. On other transcripts: 5 prime UTR variant (5).
Genome position (GRCh38, 1-based): chrX:31,932,213, T deleted on the plus strand (A on the coding strand, the reverse complement: DMD is on the minus strand); the first of 4 consecutive T bases (chrX:31,932,213-31,932,216); deleting any one gives the same sequence. VCF-style (leftmost placement, unchanged base first): chrX-31932212-CT-C. GRCh37 (hg19) VCF-style: chrX-31950329-CT-C.
Other names: c.6605del, p.Lys2202fs (NM_000109.4); c.6617del, p.Lys2206fs (NM_004009.3); c.6260del, p.Lys2087fs (NM_004010.3); c.2606del, p.Lys869fs (NM_004011.4); c.2597del, p.Lys866fs (NM_004012.4); c.-752del (NM_004013.3, NM_004020.4, NM_004021.3 and 2 more transcripts); short protein forms K2087fs, K2202fs, K2206fs, K2210fs, K866fs, K869fs.
Identifiers: ClinVar variation 945561 (VCV000945561.1), dbSNP rs2094864231, ClinGen allele CA1139667359.

ClinVar aggregate classification (germline): Pathogenic (1 of 4 stars; one submission).

Conditions:
Duchenne muscular dystrophy (DMD). Also called: Duchenne Muscular Dystrophy (DMD); MUSCULAR DYSTROPHY, PSEUDOHYPERTROPHIC PROGRESSIVE, DUCHENNE TYPE. Identifiers: Orphanet 98896, MedGen C0013264, MONDO:0010679, OMIM 310200.

Submission:

Labcorp Genetics (formerly Invitae), Labcorp
Classification: Pathogenic for Duchenne muscular dystrophy. Last evaluated: 2019-05-17. Review status: criteria provided, single submitter. Criteria: Invitae Variant Classification Sherloc (09022015). Collection method: clinical testing. Allele origin: germline.
Comment: This sequence change creates a premature translational stop signal (p.Lys2210Argfs*11) in the DMD gene. It is expected to result in an absent or disrupted protein product. This variant is not present in population databases (ExAC no frequency). This variant has been reported in an individual in the Leiden Open-source Variation Database (PMID: 21520333). Loss-of-function variants in DMD are known to be pathogenic (PMID: 16770791, 25007885). For these reasons, this variant has been classified as Pathogenic.

Literature cited by the submitters: PubMed 21520333.